The following is an entry in ClinVar:

NM_005585.5(SMAD6):c.494T>G (p.Leu165Arg)

Gene: SMAD6 (SMAD family member 6; plus strand). Cytogenetic location: 15q22.31.
Variant type: single nucleotide variant.
Coding change: c.494T>G on transcript NM_005585.5 (MANE Select); coding-DNA position 494, T replaced by G.
Protein change: p.Leu165Arg; replaces leucine 165 with arginine.
Molecular consequence: missense variant. On other transcripts: non-coding transcript variant (1).
Genome position (GRCh38, 1-based): chr15:66,703,752, T>G. VCF-style: chr15-66703752-T-G. GRCh37 (hg19) VCF-style: chr15-66996090-T-G.
Other names: short protein forms L165R.
Identifiers: ClinVar variation 2899508 (VCV002899508.3), dbSNP rs1595757051, ClinGen allele CA392949662.

ClinVar aggregate classification (germline): Uncertain significance (1 of 4 stars; one submission).

Conditions:
Aortic valve disease 2 (AOVD2). Identifiers: MedGen C3542024, MONDO:0013902, OMIM 614823.

gnomAD v4.1: 1 of 1,392,096 alleles (0.000072%); no homozygotes.

Submission:

Labcorp Genetics (formerly Invitae), Labcorp
Classification: Uncertain significance for Aortic valve disease 2. Last evaluated: 2023-09-08. Review status: criteria provided, single submitter. Criteria: Invitae Variant Classification Sherloc (09022015). Collection method: clinical testing. Allele origin: germline.
Comment: In summary, the available evidence is currently insufficient to determine the role of this variant in disease. Therefore, it has been classified as a Variant of Uncertain Significance. Advanced modeling of protein sequence and biophysical properties (such as structural, functional, and spatial information, amino acid conservation, physicochemical variation, residue mobility, and thermodynamic stability) performed at Invitae indicates that this missense variant is not expected to disrupt SMAD6 protein function. This variant has not been reported in the literature in individuals affected with SMAD6-related conditions. This variant is not present in population databases (gnomAD no frequency). This sequence change replaces leucine, which is neutral and non-polar, with arginine, which is basic and polar, at codon 165 of the SMAD6 protein (p.Leu165Arg).